The following is an entry in ClinVar:

ClinVar aggregate classification (germline): Uncertain significance. Review status: criteria provided, multiple submitters, no conflicts (2 of 4 stars). 2 submissions from 2 submitters: Uncertain significance (2). Last evaluated 2024-10-26.

Conditions:
Primary ciliary dyskinesia. Also called: Ciliary dyskinesia. Identifiers: Orphanet 244, MedGen C0008780, MONDO:0016575, HP:0012265.

gnomAD v4.1: 1 of 1,613,738 alleles (0.000062%); highest among the groups gnomAD compares: Non-Finnish European, 0.000085%; no homozygotes.

Submissions (2):

Labcorp Genetics (formerly Invitae), Labcorp
Classification: Uncertain significance for Primary ciliary dyskinesia. Last evaluated: 2024-10-26. Review status: criteria provided, single submitter. Criteria: Invitae Variant Classification Sherloc (09022015). Collection method: clinical testing. Allele origin: germline.
Comment: This sequence change replaces leucine, which is neutral and non-polar, with valine, which is neutral and non-polar, at codon 3494 of the DNAH11 protein (p.Leu3494Val). This variant is not present in population databases (gnomAD no frequency). This variant has not been reported in the literature in individuals affected with DNAH11-related conditions. ClinVar contains an entry for this variant (Variation ID: 1479365). Invitae Evidence Modeling of protein sequence and biophysical properties (such as structural, functional, and spatial information, amino acid conservation, physicochemical variation, residue mobility, and thermodynamic stability) indicates that this missense variant is not expected to disrupt DNAH11 protein function with a negative predictive value of 95%. In summary, the available evidence is currently insufficient to determine the role of this variant in disease. Therefore, it has been classified as a Variant of Uncertain Significance.

Blueprint Genetics
Classification: Uncertain significance. Last evaluated: 2020-06-04. Review status: criteria provided, single submitter. Criteria: ACMG Guidelines, 2015. Collection method: clinical testing. Allele origin: germline.

NM_001277115.2(DNAH11):c.10480C>G (p.Leu3494Val)

Gene: DNAH11 (dynein axonemal heavy chain 11; plus strand). Cytogenetic location: 7p15.3.
Variant type: single nucleotide variant.
Coding change: c.10480C>G on transcript NM_001277115.2 (MANE Select); coding-DNA position 10480, C replaced by G.
Protein change: p.Leu3494Val; replaces leucine 3494 with valine.
Molecular consequence: missense variant.
Genome position (GRCh38, 1-based): chr7:21,816,614, C>G. VCF-style: chr7-21816614-C-G. GRCh37 (hg19) VCF-style: chr7-21856232-C-G.
Other names: short protein forms L3494V.
Identifiers: ClinVar variation 1479365 (VCV001479365.9), dbSNP rs1789804697, ClinGen allele CA366948775.
Genomic context (GRCh38, chr7:21,816,614, plus strand): 5'-CCCAGTGACAGAATGTCCACCGAAAATGCCGCTATCCTAACACACTGTGAGCGCTGGCCT[C>G]TGGTGATAGATCCCCAGCAACAGGGAATTAAGTGGATCAAGAATAAGTATGGAATGGACC-3'
Protein context (NP_001264044.1, residues 3484-3504): AILTHCERWP[Leu3494Val]VIDPQQQGIK